The following is an entry in ClinVar:

ClinVar aggregate classification (germline): Uncertain significance (1 of 4 stars; one submission).

Allele frequency attached by ClinVar (database versions not stated): gnomAD exomes below 0.00001; ESP Exome Variant Server 0.00015.

Submission:

Labcorp Genetics (formerly Invitae), Labcorp
Classification: Uncertain significance. Last evaluated: 2021-08-26. Review status: criteria provided, single submitter. Criteria: Invitae Variant Classification Sherloc (09022015). Collection method: clinical testing. Allele origin: germline.
Comment: This sequence change replaces valine with alanine at codon 3 of the COX6A1 protein (p.Val3Ala). The valine residue is weakly conserved and there is a small physicochemical difference between valine and alanine. This variant is not present in population databases (ExAC no frequency). This variant has not been reported in the literature in individuals affected with COX6A1-related conditions. Algorithms developed to predict the effect of missense changes on protein structure and function output the following: SIFT: "Tolerated"; PolyPhen-2: "Not Available"; Align-GVGD: "Class C0". The alanine amino acid residue is found in multiple mammalian species, which suggests that this missense change does not adversely affect protein function. In summary, the available evidence is currently insufficient to determine the role of this variant in disease. Therefore, it has been classified as a Variant of Uncertain Significance.

NM_004373.4(COX6A1):c.8T>C (p.Val3Ala)

Gene: COX6A1 (cytochrome c oxidase subunit 6A1; plus strand). Cytogenetic location: 12q24.31.
Variant type: single nucleotide variant.
Coding change: c.8T>C on transcript NM_004373.4 (MANE Select); coding-DNA position 8, T replaced by C.
Protein change: p.Val3Ala; replaces valine 3 with alanine.
Molecular consequence: missense variant.
Genome position (GRCh38, 1-based): chr12:120,438,134, T>C. VCF-style: chr12-120438134-T-C. GRCh37 (hg19) VCF-style: chr12-120875937-T-C.
Other names: short protein forms V3A.
Identifiers: ClinVar variation 1478127 (VCV001478127.3), dbSNP rs371574963, ClinGen allele CA244444967.